The following is an entry in ClinVar:

ClinVar aggregate classification (germline): Uncertain significance (1 of 4 stars; one submission).

Submission:

Labcorp Genetics (formerly Invitae), Labcorp
Classification: Uncertain significance. Last evaluated: 2022-09-12. Review status: criteria provided, single submitter. Criteria: Invitae Variant Classification Sherloc (09022015). Collection method: clinical testing. Allele origin: germline.
Comment: This variant is not present in population databases (gnomAD no frequency). This variant has not been reported in the literature in individuals affected with SPART-related conditions. Algorithms developed to predict the effect of missense changes on protein structure and function are either unavailable or do not agree on the potential impact of this missense change (SIFT: "Deleterious"; PolyPhen-2: "Not Available"; Align-GVGD: "Class C0"). In summary, the available evidence is currently insufficient to determine the role of this variant in disease. Therefore, it has been classified as a Variant of Uncertain Significance. This sequence change replaces alanine, which is neutral and non-polar, with valine, which is neutral and non-polar, at codon 661 of the SPART protein (p.Ala661Val).

NM_015087.5(SPART):c.1982C>T (p.Ala661Val)

Gene: SPART (spartin; minus strand). Cytogenetic location: 13q13.3.
Variant type: single nucleotide variant.
Coding change: c.1982C>T on transcript NM_015087.5 (MANE Select); coding-DNA position 1982, C replaced by T.
Protein change: p.Ala661Val; replaces alanine 661 with valine.
Molecular consequence: missense variant.
Genome position (GRCh38, 1-based): chr13:36,304,384, G>A on the plus strand (C>T on the coding strand, the complement: SPART is on the minus strand). VCF-style: chr13-36304384-G-A. GRCh37 (hg19) VCF-style: chr13-36878521-G-A.
Other names: c.1982C>T, p.Ala661Val (NM_001142294.2, NM_001142295.2, NM_001142296.2); short protein forms A661V.
Identifiers: ClinVar variation 1971978 (VCV001971978.5), dbSNP rs2500473912, ClinGen allele CA387852760.
Genomic context (GRCh38, chr13:36,304,384, plus strand): 5'-CATTTCATAAGGCTTTGGTATAAGTGATTCCCAGCACTTCATCATTTATCTTTCTTCTTT[G>A]CCTCCTTTACTTCCTTCGTCTGCTCATCCTTCTCCCCTCTCACGTTGACATTTGCTGCTC-3'
Protein context (NP_055902.1, residues 651-666): KDEQTKEVKE[Ala661Val]KKKDK